The following is an entry in ClinVar:

NM_003331.5(TYK2):c.630-3C>T

Gene: TYK2 (tyrosine kinase 2; minus strand). Cytogenetic location: 19p13.2.
Variant type: single nucleotide variant.
Coding change: c.630-3C>T on transcript NM_003331.5 (MANE Select); 3 bases into the intron before coding-DNA position 630, C replaced by T.
Molecular consequence: intron variant.
Genome position (GRCh38, 1-based): chr19:10,365,901, G>A on the plus strand (C>T on the coding strand, the complement: TYK2 is on the minus strand). VCF-style: chr19-10365901-G-A. GRCh37 (hg19) VCF-style: chr19-10476577-G-A.
Other names: c.630-3C>T (LRG_121t1).
Identifiers: ClinVar variation 327956 (VCV000327956.12), dbSNP rs750663278, ClinGen allele CA9193665.
Genomic context (GRCh38, chr19:10,365,901, plus strand): 5'-CAGGGCGCTGTGCTGCCGGATATGCCGGCGGAAGGAGCGCGGGATGCAGTCCTTGAAGCT[G>A]GGGGGAAACACAGTGAGGGGCTGGTCAGGGACCTGGGTTGCAGGCCCAGCTGGGTGACAC-3'

ClinVar aggregate classification (germline): Conflicting classifications of pathogenicity. Review status: criteria provided, conflicting classifications (1 of 4 stars). 5 submissions from 5 submitters: Uncertain significance (4); Likely benign (1). Last evaluated 2024-11-04.

Conditions:
Immunodeficiency 35 (IMD35). Also called: HIES WITH ATYPICAL MYCOBACTERIOSIS, AUTOSOMAL RECESSIVE; HYPER-IgE SYNDROME WITH ATYPICAL MYCOBACTERIOSIS, AUTOSOMAL RECESSIVE; TYK2 DEFICIENCY; Susceptibility to infection due to TYK2 deficiency. Identifiers: Orphanet 331226, MedGen C1969086, MONDO:0012682, OMIM 611521.

Allele frequency attached by ClinVar (database versions not stated): ExAC 0.00010; gnomAD 0.00013 and 0.00017.
gnomAD v4.1: 193 of 1,603,580 alleles (0.012%); highest among the groups gnomAD compares: Middle Eastern, 0.14%; 1 homozygote.

Submissions (5):

Blueprint Genetics
Classification: Likely benign. Last evaluated: 2024-11-04. Review status: criteria provided, single submitter. Criteria: ACMG Guidelines, 2015. Collection method: clinical testing. Allele origin: germline.

Baylor Genetics
Classification: Uncertain significance for Immunodeficiency 35. Last evaluated: 2023-03-03. Review status: criteria provided, single submitter. Criteria: ACMG Guidelines, 2015. Collection method: clinical testing. Allele origin: unknown.

Labcorp Genetics (formerly Invitae), Labcorp
Classification: Uncertain significance for Immunodeficiency 35. Last evaluated: 2022-10-05. Review status: criteria provided, single submitter. Criteria: Invitae Variant Classification Sherloc (09022015). Collection method: clinical testing. Allele origin: germline.
Comment: This sequence change falls in intron 6 of the TYK2 gene. It does not directly change the encoded amino acid sequence of the TYK2 protein. It affects a nucleotide within the consensus splice site. This variant is present in population databases (rs750663278, gnomAD 0.04%). This variant has not been reported in the literature in individuals affected with TYK2-related conditions. ClinVar contains an entry for this variant (Variation ID: 327956). Variants that disrupt the consensus splice site are a relatively common cause of aberrant splicing (PMID: 17576681, 9536098). Algorithms developed to predict the effect of sequence changes on RNA splicing suggest that this variant is not likely to affect RNA splicing. In summary, the available evidence is currently insufficient to determine the role of this variant in disease. Therefore, it has been classified as a Variant of Uncertain Significance.

Revvity Omics, Revvity
Classification: Uncertain significance for Immunodeficiency 35. Last evaluated: 2019-01-30. Review status: criteria provided, single submitter. Criteria: ACMG Guidelines, 2015. Collection method: clinical testing. Allele origin: germline.

Illumina Laboratory Services, Illumina
Classification: Uncertain significance for Immunodeficiency 35. Last evaluated: 2018-01-12. Review status: criteria provided, single submitter. Criteria: ICSL Variant Classification Criteria 13 December 2019. Collection method: clinical testing. Allele origin: germline.

Literature cited by the submitters: PubMed 17576681 (cited by Labcorp Genetics (formerly Invitae), Labcorp); PubMed 9536098 (cited by Labcorp Genetics (formerly Invitae), Labcorp).